The following is an entry in ClinVar:

NM_001003722.2(GLE1):c.1647-1G>C

Genes: GLE1 (GLE1 RNA export mediator; plus strand), LOC101929270 (uncharacterized LOC101929270; minus strand). Cytogenetic location: 9q34.11.
Variant type: single nucleotide variant.
Coding change: c.1647-1G>C on transcript NM_001003722.2 (MANE Select); the canonical splice acceptor site of the intron before coding-DNA position 1647, G replaced by C.
Molecular consequence: splice acceptor variant.
Genome position (GRCh38, 1-based): chr9:128,536,354, G>C. VCF-style: chr9-128536354-G-C. GRCh37 (hg19) VCF-style: chr9-131298633-G-C.
Other names: c.1647-1G>C (NM_001499.2); c.1674-1G>C (NM_001411013.1).
Identifiers: ClinVar variation 1471522 (VCV001471522.5), dbSNP rs2132523058, ClinGen allele CA375044887.

ClinVar aggregate classification (germline): Likely pathogenic (1 of 4 stars; one submission).

Allele frequency attached by ClinVar (database versions not stated): gnomAD exomes below 0.00001.
gnomAD v4.1: 3 of 1,613,046 alleles (0.00019%); highest among the groups gnomAD compares: Non-Finnish European, 0.00025%; no homozygotes.

Submission:

Labcorp Genetics (formerly Invitae), Labcorp
Classification: Likely pathogenic. Last evaluated: 2022-06-14. Review status: criteria provided, single submitter. Criteria: Invitae Variant Classification Sherloc (09022015). Collection method: clinical testing. Allele origin: germline.
Comment: This sequence change affects an acceptor splice site in intron 11 of the GLE1 gene. It is expected to disrupt RNA splicing. Variants that disrupt the donor or acceptor splice site typically lead to a loss of protein function (PMID: 16199547), and loss-of-function variants in GLE1 are known to be pathogenic (PMID: 18204449, 24243016, 27684565). This variant is not present in population databases (gnomAD no frequency). This variant has not been reported in the literature in individuals affected with GLE1-related conditions. Algorithms developed to predict the effect of sequence changes on RNA splicing suggest that this variant may disrupt the consensus splice site. In summary, the currently available evidence indicates that the variant is pathogenic, but additional data are needed to prove that conclusively. Therefore, this variant has been classified as Likely Pathogenic.

Literature cited by the submitters: PubMed 16199547; PubMed 18204449; PubMed 24243016; PubMed 27684565.